The following is an entry in ClinVar:

ClinVar aggregate classification (germline): Uncertain significance (1 of 4 stars; one submission).

Allele frequency attached by ClinVar (database versions not stated): gnomAD exomes below 0.00001; gnomAD 0.00001; TOPMed 0.00001.
gnomAD v4.1: 2 of 1,612,822 alleles (0.00012%); highest among the groups gnomAD compares: Non-Finnish European, 0.00017%; no homozygotes.

Submission:

Labcorp Genetics (formerly Invitae), Labcorp
Classification: Uncertain significance. Last evaluated: 2024-11-22. Review status: criteria provided, single submitter. Criteria: Invitae Variant Classification Sherloc (09022015). Collection method: clinical testing. Allele origin: germline.
Comment: This sequence change replaces threonine, which is neutral and polar, with methionine, which is neutral and non-polar, at codon 140 of the ATAD1 protein (p.Thr140Met). This variant is not present in population databases (gnomAD no frequency). This variant has not been reported in the literature in individuals affected with ATAD1-related conditions. ClinVar contains an entry for this variant (Variation ID: 1970288). An algorithm developed to predict the effect of missense changes on protein structure and function (PolyPhen-2) suggests that this variant is likely to be disruptive. In summary, the available evidence is currently insufficient to determine the role of this variant in disease. Therefore, it has been classified as a Variant of Uncertain Significance.

NM_001321967.2(ATAD1):c.419C>T (p.Thr140Met)

Gene: ATAD1 (ATPase family AAA domain containing 1; minus strand). Cytogenetic location: 10q23.31.
Variant type: single nucleotide variant.
Coding change: c.419C>T on transcript NM_001321967.2 (MANE Select); coding-DNA position 419, C replaced by T.
Protein change: p.Thr140Met; replaces threonine 140 with methionine.
Molecular consequence: missense variant. On other transcripts: non-coding transcript variant (1).
Genome position (GRCh38, 1-based): chr10:87,784,634, G>A on the plus strand (C>T on the coding strand, the complement: ATAD1 is on the minus strand). VCF-style: chr10-87784634-G-A. GRCh37 (hg19) VCF-style: chr10-89544391-G-A.
Other names: c.419C>T, p.Thr140Met (NM_001321968.2, NM_032810.4); c.62C>T, p.Thr21Met (NM_001321969.2); short protein forms T21M, T140M.
Identifiers: ClinVar variation 1970288 (VCV001970288.5), dbSNP rs1291547891, ClinGen allele CA377491377.